The following is an entry in ClinVar:

ClinVar aggregate classification (germline): Benign. Review status: criteria provided, multiple submitters, no conflicts (2 of 4 stars). 7 submissions from 6 submitters: Benign (7). Last evaluated 2026-02-02.

Conditions:
Tangier disease (TGD). Also called: HIGH DENSITY LIPOPROTEIN DEFICIENCY, TANGIER TYPE; HIGH DENSITY LIPOPROTEIN DEFICIENCY, TYPE 1; Cholesterol thesaurismosis. Identifiers: Orphanet 31150, MedGen C0039292, MONDO:0008783, OMIM 205400.
Hypoalphalipoproteinemia, primary, 1. Identifiers: Orphanet 425, MedGen C5231558, MONDO:0011393, OMIM 604091.
Cardiovascular phenotype. Identifiers: MedGen CN230736.

Allele frequency attached by ClinVar (database versions not stated): 1000 Genomes Project 0.04393; gnomAD 0.04423 and 0.04128; TOPMed 0.04644; 1000 Genomes Project 30x 0.04731; ESP Exome Variant Server 0.04836; gnomAD exomes 0.00397 and 0.01039; ExAC 0.01289.
gnomAD v4.1: 12,305 of 1,613,898 alleles (0.76%); highest among the groups gnomAD compares: African/African-American, 15%; 871 homozygotes.

Submissions (7):

Labcorp Genetics (formerly Invitae), Labcorp
Classification: Benign. Last evaluated: 2026-02-02. Review status: criteria provided, single submitter. Criteria: Invitae Variant Classification Sherloc (09022015). Collection method: clinical testing. Allele origin: germline.

Mayo Clinic Laboratories, Mayo Clinic
Classification: Benign. Last evaluated: 2019-12-02. Review status: criteria provided, single submitter. Criteria: ACMG Guidelines, 2015. Collection method: clinical testing. Allele origin: germline. Observed: 14 variant alleles.

Ambry Genetics
Classification: Benign for Cardiovascular phenotype. Last evaluated: 2019-05-03. Review status: criteria provided, single submitter. Criteria: Ambry Variant Classification Scheme 2023. Collection method: clinical testing. Allele origin: germline.

GeneDx
Classification: Benign. Last evaluated: 2019-04-01. Review status: criteria provided, single submitter. Criteria: GeneDx Variant Classification Process June 2021. Collection method: clinical testing. Allele origin: germline. Affected: yes.

Illumina Laboratory Services, Illumina
Classification: Benign for Tangier disease. Last evaluated: 2018-01-12. Review status: criteria provided, single submitter. Criteria: ICSL Variant Classification Criteria 13 December 2019. Collection method: clinical testing. Allele origin: germline.
Comment: This variant was observed in the ICSL laboratory as part of a predisposition screen in an ostensibly healthy population. It had not been previously curated by ICSL or reported in the Human Gene Mutation Database (HGMD: prior to June 1st, 2018), and was therefore a candidate for classification through an automated scoring system. Utilizing variant allele frequency, disease prevalence and penetrance estimates, and inheritance mode, an automated score was calculated to assess if this variant is too frequent to cause the disease. Based on the score and internal cut-off values, a variant classified as benign is not then subjected to further curation. The score for this variant resulted in a classification of benign for this disease.

Illumina Laboratory Services, Illumina
Classification: Benign for Hypoalphalipoproteinemia, primary, 1. Last evaluated: 2018-01-12. Review status: criteria provided, single submitter. Criteria: ICSL Variant Classification Criteria 13 December 2019. Collection method: clinical testing. Allele origin: germline.
Comment: the same text as in the submission from Illumina Laboratory Services, Illumina above.

Breakthrough Genomics
Classification: Benign. Review status: criteria provided, single submitter. Criteria: ACMG Guidelines, 2015. Collection method: not provided. Allele origin: germline. Inheritance: Autosomal recessive inheritance. Affected: yes.

NM_005502.4(ABCA1):c.3364C>T (p.Leu1122=)

Gene: ABCA1 (ATP binding cassette subfamily A member 1; minus strand). Cytogenetic location: 9q31.1.
Variant type: single nucleotide variant.
Coding change: c.3364C>T on transcript NM_005502.4 (MANE Select); coding-DNA position 3364, C replaced by T.
Protein change: p.Leu1122=; no amino-acid change (leucine 1122 retained).
Molecular consequence: synonymous variant.
Genome position (GRCh38, 1-based): chr9:104,818,761, G>A on the plus strand (C>T on the coding strand, the complement: ABCA1 is on the minus strand). VCF-style: chr9-104818761-G-A. GRCh37 (hg19) VCF-style: chr9-107581042-G-A.
Other names: p.Leu1122=.
Identifiers: ClinVar variation 364417 (VCV000364417.20), dbSNP rs35204915, ClinGen allele CA5168463.